The following is an entry in ClinVar:

NC_000022.11:g.(?_28709996)_(28734731_?)del

Gene: CHEK2 (checkpoint kinase 2; minus strand). Cytogenetic location: 22q12.1.
Variant type: Deletion.
Identifiers: ClinVar variation 583524 (VCV000583524.3).

ClinVar aggregate classification (germline): Pathogenic (1 of 4 stars; one submission).

Conditions:
Familial cancer of breast. Also called: Hereditary breast cancer; hereditary breast carcinoma; BREAST CANCER, FAMILIAL. Identifiers: Orphanet 227535, MedGen C0346153, MONDO:0016419, OMIM 114480. Disease mechanism: loss of function.

Submission:

Labcorp Genetics (formerly Invitae), Labcorp
Classification: Pathogenic for Familial cancer of breast. Last evaluated: 2018-05-10. Review status: criteria provided, single submitter. Criteria: Invitae Variant Classification Sherloc (09022015). Collection method: clinical testing. Allele origin: germline.
Comment: A gross deletion of the genomic region encompassing the full coding sequence of the CHEK2 gene has been identified. The boundaries of this event are unknown as the deletion extends beyond the assayed region for this gene and therefore may encompass additional genes. While this particular gross deletion has not been reported in the literature, exon-level deletions in CHEK2 have been reported in affected individuals and are known to be pathogenic (PMID:¬†16551709, 24763289, 17085682). Loss-of-function variants in CHEK2 are known to be pathogenic (PMID: 21876083, 24713400). For these reasons, this variant has been classified as Pathogenic.

Literature cited by the submitters: PubMed 21876083; PubMed 24713400.